The following is an entry in ClinVar:

ClinVar aggregate classification (germline): Uncertain significance (1 of 4 stars; one submission).

Submission:

GeneDx
Classification: Uncertain significance. Last evaluated: 2025-07-18. Review status: criteria provided, single submitter. Criteria: GeneDx Variant Classification Process June 2021. Collection method: clinical testing. Allele origin: germline.
Comment: Not observed at significant frequency in large population cohorts (gnomAD); In silico analysis suggests that this missense variant does not alter protein structure/function; Has not been previously published as pathogenic or benign to our knowledge

NM_020987.5(ANK3):c.2173G>C (p.Ala725Pro)

Gene: ANK3 (ankyrin 3; minus strand). Cytogenetic location: 10q21.2.
Variant type: single nucleotide variant.
Coding change: c.2173G>C on transcript NM_020987.5 (MANE Select); coding-DNA position 2173, G replaced by C.
Protein change: p.Ala725Pro; replaces alanine 725 with proline.
Molecular consequence: missense variant.
Genome position (GRCh38, 1-based): chr10:60,181,340, C>G on the plus strand (G>C on the coding strand, the complement: ANK3 is on the minus strand). VCF-style: chr10-60181340-C-G. GRCh37 (hg19) VCF-style: chr10-61941098-C-G.
Other names: c.2155G>C, p.Ala719Pro (NM_001204403.2); c.2122G>C, p.Ala708Pro (NM_001204404.2); c.2173G>C, p.Ala725Pro (NM_001320874.2); short protein forms A708P, A719P, A725P.
Identifiers: ClinVar variation 3368117 (VCV003368117.2).